The following is an entry in ClinVar:

ClinVar aggregate classification (germline): Uncertain significance. Review status: criteria provided, multiple submitters, no conflicts (2 of 4 stars). 3 submissions from 3 submitters: Uncertain significance (3). Last evaluated 2025-09-01.

Conditions:
Inborn genetic diseases. Identifiers: MedGen C0950123, MeSH D030342.
Brown-Vialetto-van Laere syndrome 2. Also called: Riboflavin transporter deficiency type 2; SPINOCEREBELLAR ATAXIA WITH BLINDNESS AND DEAFNESS 2. Identifiers: Orphanet 572543, Orphanet 97229, MedGen C3553538, MONDO:0013867, OMIM 614707.

Allele frequency attached by ClinVar (database versions not stated): gnomAD exomes 0.00001 and below 0.00001; gnomAD 0.00002; TOPMed 0.00002.

Submissions (3):

Ambry Genetics
Classification: Uncertain significance for Inborn genetic diseases. Last evaluated: 2025-09-01. Review status: criteria provided, single submitter. Criteria: Ambry Variant Classification Scheme 2023. Collection method: clinical testing. Allele origin: germline.

Mayo Clinic Laboratories, Mayo Clinic
Classification: Uncertain significance. Last evaluated: 2025-02-02. Review status: criteria provided, single submitter. Criteria: ACMG Guidelines, 2015. Collection method: clinical testing. Allele origin: germline. Observed: 1 variant allele.
Comment: BP4

Labcorp Genetics (formerly Invitae), Labcorp
Classification: Uncertain significance for Brown-Vialetto-van Laere syndrome 2. Last evaluated: 2022-03-18. Review status: criteria provided, single submitter. Criteria: Invitae Variant Classification Sherloc (09022015). Collection method: clinical testing. Allele origin: germline.
Comment: This sequence change replaces leucine, which is neutral and non-polar, with valine, which is neutral and non-polar, at codon 406 of the SLC52A2 protein (p.Leu406Val). This variant is present in population databases (no rsID available, gnomAD 0.002%). This variant has not been reported in the literature in individuals affected with SLC52A2-related conditions. ClinVar contains an entry for this variant (Variation ID: 1054678). Advanced modeling of protein sequence and biophysical properties (such as structural, functional, and spatial information, amino acid conservation, physicochemical variation, residue mobility, and thermodynamic stability) performed at Invitae indicates that this missense variant is not expected to disrupt SLC52A2 protein function. In summary, the available evidence is currently insufficient to determine the role of this variant in disease. Therefore, it has been classified as a Variant of Uncertain Significance.

NM_001363118.2(SLC52A2):c.1216C>G (p.Leu406Val)

Gene: SLC52A2 (solute carrier family 52 member 2; plus strand). Cytogenetic location: 8q24.3.
Variant type: single nucleotide variant.
Coding change: c.1216C>G on transcript NM_001363118.2 (MANE Select); coding-DNA position 1216, C replaced by G.
Protein change: p.Leu406Val; replaces leucine 406 with valine.
Molecular consequence: missense variant. On other transcripts: non-coding transcript variant (1).
Genome position (GRCh38, 1-based): chr8:144,360,893, C>G. VCF-style: chr8-144360893-C-G. GRCh37 (hg19) VCF-style: chr8-145584553-C-G.
Other names: p.Leu406Val; c.1216C>G, p.Leu406Val (NM_001253815.2, NM_001253816.2, NM_001363120.2 and 2 more transcripts); c.724C>G, p.Leu242Val (NM_001363122.2); c.1216C>G (NM_024531.3); short protein forms L242V, L406V.
Identifiers: ClinVar variation 1054678 (VCV001054678.4), dbSNP rs951559441, ClinGen allele CA187657832.